The following is an entry in ClinVar:

NM_003072.5(SMARCA4):c.4505G>T (p.Arg1502Leu)

Gene: SMARCA4 (SWI/SNF related BAF chromatin remodeling complex subunit ATPase 4; plus strand). Cytogenetic location: 19p13.2.
Variant type: single nucleotide variant.
Coding change: c.4505G>T on transcript NM_003072.5 (MANE Select); coding-DNA position 4505, G replaced by T.
Protein change: p.Arg1502Leu; replaces arginine 1502 with leucine.
Molecular consequence: missense variant. On other transcripts: non-coding transcript variant (1).
Genome position (GRCh38, 1-based): chr19:11,058,335, G>T. VCF-style: chr19-11058335-G-T. GRCh37 (hg19) VCF-style: chr19-11169011-G-T.
Other names: c.4505G>T, p.Arg1502Leu (NM_001128844.3); c.4415G>T, p.Arg1472Leu (NM_001128845.2); c.4412G>T, p.Arg1471Leu (NM_001128846.2); c.4406G>T, p.Arg1469Leu (NM_001128847.4, NM_001374457.1); c.4403G>T, p.Arg1468Leu (NM_001128848.2); c.4601G>T, p.Arg1534Leu (NM_001128849.3, NM_001387283.1); c.4502G>T, p.Arg1501Leu (NM_001411150.1); short protein forms R1471L, R1472L, R1502L, R1469L, R1501L, R1468L, R1534L.
Identifiers: ClinVar variation 1741827 (VCV001741827.2), dbSNP rs1555795063, ClinGen allele CA404077807.
Genomic context (GRCh38, chr19:11,058,335, plus strand): 5'-GCGAGGTCTTCATCCAGCTGCCCTCGCGAAAGGAGCTGCCCGAGTACTACGAGCTCATCC[G>T]CAAGCCCGTGGACTTCAAGAAGATAAAGGTAACCCTGACGTTGTACCTGCGCCCCGCATG-3'
Protein context (NP_003063.2, residues 1492-1512): KELPEYYELI[Arg1502Leu]KPVDFKKIKE

ClinVar aggregate classification (germline): Uncertain significance (1 of 4 stars; one submission).

Conditions:
Hereditary cancer-predisposing syndrome. Also called: Hereditary Cancer Syndrome; Hereditary neoplastic syndrome; Neoplastic Syndromes, Hereditary; Tumor predisposition. Identifiers: Orphanet 140162, MedGen C0027672, MeSH D009386, MONDO:0015356.

Submission:

Ambry Genetics
Classification: Uncertain significance for Hereditary cancer-predisposing syndrome. Last evaluated: 2020-12-02. Review status: criteria provided, single submitter. Criteria: Ambry Variant Classification Scheme 2023. Collection method: clinical testing. Allele origin: germline.
Comment: The p.R1534L variant (also known as c.4601G>T), located in coding exon 31 of the SMARCA4 gene, results from a G to T substitution at nucleotide position 4601. The arginine at codon 1534 is replaced by leucine, an amino acid with dissimilar properties. This amino acid position is highly conserved in available vertebrate species. In addition, the in silico prediction for this alteration is inconclusive. Missense and in-frame variants in SMARCA4 are known to cause neurodevelopmental disorders; however, such associations with rhabdoid tumor predisposition syndrome including small cell carcinoma of the ovary-hypercalcemic type (SCCOHT) are exceedingly rare (Kosho T et al. Am J Med Genet C Semin Med Genet. 2014 Sep;166C(3):262-75; Jelinic P et al. Nat Genet. 2014 May;46(5):424-6). Based on the supporting evidence, the association of this alteration with Coffin-Siris syndrome is unknown; however, the association of this alteration with rhabdoid tumor predisposition syndrome is unlikely.